The following is an entry in ClinVar:

NM_007294.4(BRCA1):c.2107A>G (p.Thr703Ala)

Gene: BRCA1 (BRCA1 DNA repair associated; minus strand). Cytogenetic location: 17q21.31.
Variant type: single nucleotide variant.
Coding change: c.2107A>G on transcript NM_007294.4 (MANE Select); coding-DNA position 2107, A replaced by G.
Protein change: p.Thr703Ala; replaces threonine 703 with alanine.
Molecular consequence: missense variant. On other transcripts: intron variant (137).
Genome position (GRCh38, 1-based): chr17:43,093,424, T>C on the plus strand (A>G on the coding strand, the complement: BRCA1 is on the minus strand). VCF-style: chr17-43093424-T-C. GRCh37 (hg19) VCF-style: chr17-41245441-T-C.
Other names: c.1774A>G, p.Thr592Ala (NM_001407957.1, NM_001407946.1, NM_001407947.1 and 6 more transcripts); c.1723A>G, p.Thr575Ala (NM_001407962.1); c.1771A>G, p.Thr591Ala (NM_001407958.1, NM_001407954.1, NM_001407955.1 and 1 more transcripts); c.1726A>G, p.Thr576Ala (NM_001407959.1, NM_001407960.1, NM_001407963.1); c.1963A>G, p.Thr655Ala (NM_001407964.1, NM_001407740.1, NM_001407741.1 and 20 more transcripts); c.1603A>G, p.Thr535Ala (NM_001407965.1); c.1219A>G, p.Thr407Ala (NM_001407966.1, NM_001407967.1); c.643+1320A>G (NM_001408470.1, NM_001408464.1, NM_001408468.1 and 3 more transcripts); and 41 more; short protein forms T703A, T656A, T576A, T592A, T632A, T635A, T535A, T614A.
Identifiers: ClinVar variation 924723 (VCV000924723.16), dbSNP rs2053825384, ClinGen allele CA10597789.

ClinVar aggregate classification (germline): Conflicting classifications of pathogenicity. Review status: criteria provided, conflicting classifications (1 of 4 stars). 3 submissions from 3 submitters: Uncertain significance (2); Likely benign (1). Last evaluated 2023-03-23.

Conditions:
Hereditary breast ovarian cancer syndrome. Also called: Hereditary breast and ovarian cancer syndrome; BRCA1- and BRCA2-Associated Hereditary Breast and Ovarian Cancer; Hereditary breast and ovarian cancer; Hereditary breast and ovarian cancer syndrome (HBOC); Breast and ovarian cancer; Hereditary breast and/or ovarian cancer syndrome. Identifiers: Orphanet 145, MedGen C0677776, MeSH D061325, MONDO:0003582. Disease mechanism: loss of function.
Hereditary cancer-predisposing syndrome. Also called: Neoplastic Syndromes, Hereditary; Tumor predisposition; Hereditary Cancer Syndrome; Hereditary neoplastic syndrome. Identifiers: Orphanet 140162, MedGen C0027672, MeSH D009386, MONDO:0015356.

Submissions (3):

University of Washington Department of Laboratory Medicine, University of Washington
Classification: Likely benign for Hereditary cancer-predisposing syndrome. Last evaluated: 2023-03-23. Review status: criteria provided, single submitter. Criteria: Dines et al. (Genet Med. 2020). Collection method: curation. Allele origin: germline.
Comment: Missense variant in a coldspot region where missense variants are very unlikely to be pathogenic (PMID:31911673).

BRCA1 coldspot (exon 11 using historical exon numbering). Reclassification based on statistical prior probability

Color Diagnostics, LLC DBA Color Health
Classification: Uncertain significance for Hereditary cancer-predisposing syndrome. Last evaluated: 2020-02-19. Review status: criteria provided, single submitter. Criteria: ACMG Guidelines, 2015. Collection method: clinical testing. Allele origin: germline.
Comment: This missense variant replaces threonine with alanine at codon 703 of the BRCA1 protein. Computational prediction is inconclusive regarding the impact of this variant on protein structure and function (internally defined REVEL score threshold 0.5 < inconclusive < 0.7, PMID: 27666373). Splice site prediction tools suggest that this variant may not impact RNA splicing. To our knowledge, functional studies have not been performed for this variant. This variant has not been reported in individuals affected with hereditary cancer in the literature. This variant has not been identified in the general population by the Genome Aggregation Database (gnomAD). The available evidence is insufficient to determine the role of this variant in disease conclusively. Therefore, this variant is classified as a Variant of Uncertain Significance.

Labcorp Genetics (formerly Invitae), Labcorp
Classification: Uncertain significance for Hereditary breast ovarian cancer syndrome. Last evaluated: 2019-06-30. Review status: criteria provided, single submitter. Criteria: Invitae Variant Classification Sherloc (09022015). Collection method: clinical testing. Allele origin: germline.
Comment: This sequence change replaces threonine with alanine at codon 703 of the BRCA1 protein (p.Thr703Ala). The threonine residue is moderately conserved and there is a small physicochemical difference between threonine and alanine. This variant is not present in population databases (ExAC no frequency). This variant has not been reported in the literature in individuals with BRCA1-related conditions. Algorithms developed to predict the effect of missense changes on protein structure and function output the following: SIFT: "Tolerated"; PolyPhen-2: "Possibly Damaging"; Align-GVGD: "Class C0". The alanine amino acid residue is found in multiple mammalian species, suggesting that this missense change does not adversely affect protein function. These predictions have not been confirmed by published functional studies and their clinical significance is uncertain. In summary, the available evidence is currently insufficient to determine the role of this variant in disease. Therefore, it has been classified as a Variant of Uncertain Significance.